The following is an entry in ClinVar:

NM_000038.6(APC):c.135+4614G>C

Gene: APC (APC regulator of WNT signaling pathway; plus strand). Cytogenetic location: 5q22.2.
Variant type: single nucleotide variant.
Coding change: c.135+4614G>C on transcript NM_000038.6 (MANE Select); 4614 bases into the intron after coding-DNA position 135, G replaced by C.
Molecular consequence: intron variant.
Genome position (GRCh38, 1-based): chr5:112,759,639, G>C. VCF-style: chr5-112759639-G-C. GRCh37 (hg19) VCF-style: chr5-112095336-G-C.
Other names: c.135+4614G>C (NM_001354895.2, NM_001127510.3, NM_001354896.2 and 2 more transcripts); c.166-6687G>C (NM_001354897.2, NM_001354902.2, NM_001127511.3); c.61-6687G>C (NM_001354898.2, NM_001354904.2); c.-901+4614G>C (NM_001354906.2); c.-42-6687G>C (NM_001354900.2, NM_001354901.2, NM_001354905.2).
Identifiers: ClinVar variation 82375 (VCV000082375.2), dbSNP rs76578536, ClinGen allele CA004401.

ClinVar aggregate classification (germline): other (0 of 4 stars; one submission).

Conditions:
Familial colorectal cancer. Identifiers: MedGen CN280943, MONDO:0023113. Disease mechanism: loss of function.

Submission:

Systems Biology Platform Zhejiang California International NanoSystems Institute
Classification: other for Familial colorectal cancer. Review status: no assertion criteria provided. Collection method: not provided. Allele origin: unknown.
ClinVar note: Converted during submission from cancer to other.